The following is an entry in ClinVar:

NM_003978.5(PSTPIP1):c.452C>G (p.Ala151Gly)

Gene: PSTPIP1 (proline-serine-threonine phosphatase interacting protein 1; plus strand). Cytogenetic location: 15q24.3.
Variant type: single nucleotide variant.
Coding change: c.452C>G on transcript NM_003978.5 (MANE Select); coding-DNA position 452, C replaced by G.
Protein change: p.Ala151Gly; replaces alanine 151 with glycine.
Molecular consequence: missense variant. On other transcripts: non-coding transcript variant (1).
Genome position (GRCh38, 1-based): chr15:77,028,588, C>G. VCF-style: chr15-77028588-C-G. GRCh37 (hg19) VCF-style: chr15-77320929-C-G.
Other names: c.452C>G, p.Ala151Gly (NM_001321135.2); c.425C>G, p.Ala142Gly (NM_001321136.2); c.647C>G, p.Ala216Gly (NM_001321137.1); short protein forms A216G, A142G, A151G.
Identifiers: ClinVar variation 1467012 (VCV001467012.8), dbSNP rs1160921792, ClinGen allele CA393519811.

ClinVar aggregate classification (germline): Uncertain significance (1 of 4 stars; one submission).

Conditions:
Pyogenic arthritis-pyoderma gangrenosum-acne syndrome (PAPA). Also called: FAMILIAL RECURRENT ARTHRITIS; PAPA SYNDROME. Identifiers: Orphanet 69126, MedGen C1858361, MONDO:0011462, OMIM 604416.

Submission:

Labcorp Genetics (formerly Invitae), Labcorp
Classification: Uncertain significance for Pyogenic arthritis-pyoderma gangrenosum-acne syndrome. Last evaluated: 2020-12-08. Review status: criteria provided, single submitter. Criteria: Invitae Variant Classification Sherloc (09022015). Collection method: clinical testing. Allele origin: germline.
Comment: This variant is not present in population databases (ExAC no frequency). This sequence change replaces alanine with glycine at codon 151 of the PSTPIP1 protein (p.Ala151Gly). The alanine residue is highly conserved and there is a small physicochemical difference between alanine and glycine. This variant has not been reported in the literature in individuals with PSTPIP1-related conditions. In summary, the available evidence is currently insufficient to determine the role of this variant in disease. Therefore, it has been classified as a Variant of Uncertain Significance. Algorithms developed to predict the effect of missense changes on protein structure and function are either unavailable or do not agree on the potential impact of this missense change (SIFT: "Deleterious"; PolyPhen-2: "Possibly Damaging"; Align-GVGD: "Class C0").